The following is an entry in ClinVar:

NM_000038.6(APC):c.5218C>G (p.Pro1740Ala)

Gene: APC (APC regulator of Wnt signaling pathway; plus strand). Cytogenetic location: 5q22.2.
Variant type: single nucleotide variant.
Coding change: c.5218C>G on transcript NM_000038.6 (MANE Select); coding-DNA position 5218, C replaced by G.
Protein change: p.Pro1740Ala; replaces proline 1740 with alanine.
Molecular consequence: missense variant.
Genome position (GRCh38, 1-based): chr5:112,840,812, C>G. VCF-style: chr5-112840812-C-G. GRCh37 (hg19) VCF-style: chr5-112176509-C-G.
Other names: c.5218C>G, p.Pro1740Ala (NM_001127510.3, NM_001354895.2); c.5164C>G, p.Pro1722Ala (NM_001127511.3); c.5272C>G, p.Pro1758Ala (NM_001354896.2); c.5248C>G, p.Pro1750Ala (NM_001354897.2); c.5143C>G, p.Pro1715Ala (NM_001354898.2); c.5134C>G, p.Pro1712Ala (NM_001354899.2); c.5095C>G, p.Pro1699Ala (NM_001354900.2); c.5041C>G, p.Pro1681Ala (NM_001354901.2); and 5 more; short protein forms P1740A, P1722A, P1614A, P1639A, P1750A, P1649A, P1699A, P1712A.
Identifiers: ClinVar variation 631221 (VCV000631221.5), dbSNP rs1332889016, ClinGen allele CA16032738.
Genomic context (GRCh38, chr5:112,840,812, plus strand): 5'-GAAGGTGATATTCTTGCAGAATGCATTAATTCTGCTATGCCCAAAGGGAAAAGTCACAAG[C>G]CTTTCCGTGTGAAAAAGATAATGGACCAGGTCCAGCAAGCATCTGCGTCTTCTTCTGCAC-3'
Protein context (NP_000029.2, residues 1730-1750): SAMPKGKSHK[Pro1740Ala]FRVKKIMDQV

ClinVar aggregate classification (germline): Uncertain significance (1 of 4 stars; one submission).

Conditions:
Hereditary cancer-predisposing syndrome. Also called: Tumor predisposition; Neoplastic Syndromes, Hereditary; Hereditary neoplastic syndrome; Hereditary Cancer Syndrome. Identifiers: Orphanet 140162, MedGen C0027672, MeSH D009386, MONDO:0015356.

Allele frequency attached by ClinVar (database versions not stated): gnomAD exomes below 0.00001.
gnomAD v4.1: 1 of 1,614,098 alleles (0.000062%); highest among the groups gnomAD compares: Non-Finnish European, 0.000085%; no homozygotes.

Submission:

Color Diagnostics, LLC DBA Color Health
Classification: Uncertain significance for Hereditary cancer-predisposing syndrome. Last evaluated: 2023-12-04. Review status: criteria provided, single submitter. Criteria: ACMG Guidelines, 2015. Collection method: clinical testing. Allele origin: germline.
Comment: This missense variant replaces proline with alanine at codon 1740 of the APC protein. Computational prediction suggests that this variant may not impact protein structure and function (internally defined REVEL score threshold <= 0.5, PMID: 27666373). To our knowledge, functional studies have not been reported for this variant. This variant has not been reported in individuals affected with APC-related disorders in the literature. This variant has been identified in 1/250640 chromosomes in the general population by the Genome Aggregation Database (gnomAD). The available evidence is insufficient to determine the role of this variant in disease conclusively. Therefore, this variant is classified as a Variant of Uncertain Significance.